The following is an entry in ClinVar:

ClinVar aggregate classification (germline): Uncertain significance (1 of 4 stars; one submission).

Conditions:
Congenital disorder of glycosylation, type Ii. Also called: CDG Ii; ALG2-congenital disorder of glycosylation; ALG2-CDG. Identifiers: Orphanet 79326, MedGen C1842836, MONDO:0011933, OMIM 607906.
Congenital myasthenic syndrome 14. Also called: Myasthenic syndrome, congenital, 14, with tubular aggregates. Identifiers: Orphanet 353327, Orphanet 590, MedGen C4015597, MONDO:0014543, OMIM 616228.

Allele frequency attached by ClinVar (database versions not stated): gnomAD exomes 0.00001.
gnomAD v4.1: 4 of 1,614,236 alleles (0.00025%); highest among the groups gnomAD compares: Non-Finnish European, 0.00034%; no homozygotes.

Submission:

Labcorp Genetics (formerly Invitae), Labcorp
Classification: Uncertain significance for Congenital disorder of glycosylation, type Ii; Congenital myasthenic syndrome 14. Last evaluated: 2022-06-22. Review status: criteria provided, single submitter. Criteria: Invitae Variant Classification Sherloc (09022015). Collection method: clinical testing. Allele origin: germline.
Comment: In summary, the available evidence is currently insufficient to determine the role of this variant in disease. Therefore, it has been classified as a Variant of Uncertain Significance. Algorithms developed to predict the effect of missense changes on protein structure and function (SIFT, PolyPhen-2, Align-GVGD) all suggest that this variant is likely to be disruptive. This variant has not been reported in the literature in individuals affected with ALG2-related conditions. This variant is not present in population databases (gnomAD no frequency). This sequence change replaces threonine, which is neutral and polar, with isoleucine, which is neutral and non-polar, at codon 187 of the ALG2 protein (p.Thr187Ile).

NM_033087.4(ALG2):c.560C>T (p.Thr187Ile)

Gene: ALG2 (ALG2 alpha-1,3/1,6-mannosyltransferase; minus strand). Cytogenetic location: 9q22.33.
Variant type: single nucleotide variant.
Coding change: c.560C>T on transcript NM_033087.4 (MANE Select); coding-DNA position 560, C replaced by T.
Protein change: p.Thr187Ile; replaces threonine 187 with isoleucine.
Molecular consequence: missense variant. On other transcripts: non-coding transcript variant (1).
Genome position (GRCh38, 1-based): chr9:99,218,625, G>A on the plus strand (C>T on the coding strand, the complement: ALG2 is on the minus strand). VCF-style: chr9-99218625-G-A. GRCh37 (hg19) VCF-style: chr9-101980907-G-A.
Other names: short protein forms T187I.
Identifiers: ClinVar variation 1911041 (VCV001911041.5), dbSNP rs772330462, ClinGen allele CA374228865.